The following is an entry in ClinVar:

NM_006206.6(PDGFRA):c.2186G>T (p.Gly729Val)

Gene: PDGFRA (platelet derived growth factor receptor alpha; plus strand). Cytogenetic location: 4q12.
Variant type: single nucleotide variant.
Coding change: c.2186G>T on transcript NM_006206.6 (MANE Select); coding-DNA position 2186, G replaced by T.
Protein change: p.Gly729Val; replaces glycine 729 with valine.
Molecular consequence: missense variant.
Genome position (GRCh38, 1-based): chr4:54,280,345, G>T. VCF-style: chr4-54280345-G-T. GRCh37 (hg19) VCF-style: chr4-55146512-G-T.
Other names: c.2186G>T, p.Gly729Val (NM_001347827.2, NM_001347829.2); c.2261G>T, p.Gly754Val (NM_001347828.2); c.2225G>T, p.Gly742Val (NM_001347830.2); short protein forms G742V, G729V, G754V.
Identifiers: ClinVar variation 642733 (VCV000642733.12), dbSNP rs1458825658, ClinGen allele CA356894255.
Genomic context (GRCh38, chr4:54,280,345, plus strand): 5'-CTGGGTAAGATTTCTCTTTCTGTTTTTACAGCTATGTTATTTTATCTTTTGAAAACAATG[G>T]TGACTACATGGACATGAAGCAGGCTGATACTACACAGTATGTCCCCATGCTAGAAAGGAA-3'
Protein context (NP_006197.1, residues 719-739): SYVILSFENN[Gly729Val]DYMDMKQADT

ClinVar aggregate classification (germline): Uncertain significance. Review status: criteria provided, multiple submitters, no conflicts (2 of 4 stars). 4 submissions from 4 submitters: Uncertain significance (4). Last evaluated 2025-11-13.

Conditions:
Hereditary cancer-predisposing syndrome. Also called: Hereditary Cancer Syndrome; Tumor predisposition; Neoplastic Syndromes, Hereditary; Hereditary neoplastic syndrome. Identifiers: Orphanet 140162, MedGen C0027672, MeSH D009386, MONDO:0015356.
Gastrointestinal stromal tumor. Also called: Gastrointestinal stromal tumor, somatic; Gastrointestinal stroma tumor. Identifiers: Orphanet 44890, MedGen C0238198, MeSH D046152, MONDO:0011719, OMIM 606764, HP:0100723.

Allele frequency attached by ClinVar (database versions not stated): TOPMed below 0.00001.
gnomAD v4.1: 7 of 1,613,704 alleles (0.00043%); highest among the groups gnomAD compares: Non-Finnish European, 0.00059%; no homozygotes.

Submissions (4):

Labcorp Genetics (formerly Invitae), Labcorp
Classification: Uncertain significance for Gastrointestinal stromal tumor. Last evaluated: 2025-11-13. Review status: criteria provided, single submitter. Criteria: Invitae Variant Classification Sherloc (09022015). Collection method: clinical testing. Allele origin: germline.
Comment: This sequence change replaces glycine, which is neutral and non-polar, with valine, which is neutral and non-polar, at codon 729 of the PDGFRA protein (p.Gly729Val). This variant is not present in population databases (gnomAD no frequency). This variant has not been reported in the literature in individuals affected with PDGFRA-related conditions. ClinVar contains an entry for this variant (Variation ID: 642733). Invitae Evidence Modeling of protein sequence and biophysical properties (such as structural, functional, and spatial information, amino acid conservation, physicochemical variation, residue mobility, and thermodynamic stability) has been performed for this missense variant. However, the output from this modeling did not meet the statistical confidence thresholds required to predict the impact of this variant on PDGFRA protein function. In summary, the available evidence is currently insufficient to determine the role of this variant in disease. Therefore, it has been classified as a Variant of Uncertain Significance.

Dasa
Classification: Uncertain significance. Last evaluated: 2025-07-07. Review status: criteria provided, single submitter. Criteria: DASA Assertion Criteria. Collection method: clinical testing. Allele origin: germline.
Comment: NM_006206.6(PDGFRA):c.2186G>T (p.Gly729Val) is a missense variant that results in the substitution of glycine with valine. This variant is rare in population databases. Computational prediction algorithms are consistent with a deleterious effect. The currently available literature and clinical evidence are not sufficient to establish a definitive association between this variant and the reported condition. Therefore, this variant is classified as a variant of uncertain significance.

GeneDx
Classification: Uncertain significance. Last evaluated: 2025-06-25. Review status: criteria provided, single submitter. Criteria: GeneDx Variant Classification Process June 2021. Collection method: clinical testing. Allele origin: germline. Affected: yes.
Comment: Not observed at significant frequency in large population cohorts (gnomAD); In silico analysis supports that this missense variant has a deleterious effect on protein structure/function; Observed in a patient with triple-negative myeloproliferative neoplasms (PMID: 36031433); This variant is associated with the following publications: (PMID: 36031433)

Ambry Genetics
Classification: Uncertain significance for Hereditary cancer-predisposing syndrome. Last evaluated: 2023-07-15. Review status: criteria provided, single submitter. Criteria: Ambry Variant Classification Scheme 2023. Collection method: clinical testing. Allele origin: germline.
Comment: The p.G729V variant (also known as c.2186G>T), located in coding exon 15 of the PDGFRA gene, results from a G to T substitution at nucleotide position 2186. The glycine at codon 729 is replaced by valine, an amino acid with dissimilar properties. This amino acid position is conserved. In addition, this alteration is predicted to be deleterious by in silico analysis. Since supporting evidence is limited at this time, the clinical significance of this alteration remains unclear.